The following is an entry in ClinVar:

NM_182493.3(MYLK3):c.1195G>A (p.Glu399Lys)

Gene: MYLK3 (myosin light chain kinase 3; minus strand). Cytogenetic location: 16q11.2.
Variant type: single nucleotide variant.
Coding change: c.1195G>A on transcript NM_182493.3 (MANE Select); coding-DNA position 1195, G replaced by A.
Protein change: p.Glu399Lys; replaces glutamic acid 399 with lysine.
Molecular consequence: missense variant.
Genome position (GRCh38, 1-based): chr16:46,732,475, C>T on the plus strand (G>A on the coding strand, the complement: MYLK3 is on the minus strand). VCF-style: chr16-46732475-C-T. GRCh37 (hg19) VCF-style: chr16-46766387-C-T.
Other names: c.172G>A, p.Glu58Lys (NM_001308301.1); short protein forms E399K, E58K.
Identifiers: ClinVar variation 2161969 (VCV002161969.4), dbSNP rs765705140, ClinGen allele CA8038055.

ClinVar aggregate classification (germline): Uncertain significance (1 of 4 stars; one submission).

Allele frequency attached by ClinVar (database versions not stated): TOPMed below 0.00001; ExAC 0.00001; gnomAD 0.00001; gnomAD exomes 0.00001.

Submission:

Labcorp Genetics (formerly Invitae), Labcorp
Classification: Uncertain significance. Last evaluated: 2024-08-28. Review status: criteria provided, single submitter. Criteria: Invitae Variant Classification Sherloc (09022015). Collection method: clinical testing. Allele origin: germline.
Comment: This sequence change replaces glutamic acid, which is acidic and polar, with lysine, which is basic and polar, at codon 399 of the MYLK3 protein (p.Glu399Lys). This variant is present in population databases (rs765705140, gnomAD 0.009%). This variant has not been reported in the literature in individuals affected with MYLK3-related conditions. ClinVar contains an entry for this variant (Variation ID: 2161969). An algorithm developed to predict the effect of missense changes on protein structure and function outputs the following: PolyPhen-2: "Benign". The lysine amino acid residue is found in multiple mammalian species, which suggests that this missense change does not adversely affect protein function. In summary, the available evidence is currently insufficient to determine the role of this variant in disease. Therefore, it has been classified as a Variant of Uncertain Significance.